The following is an entry in ClinVar:

NM_000530.8(MPZ):c.26G>A (p.Ser9Asn)

Gene: MPZ (myelin protein zero; minus strand). Cytogenetic location: 1q23.3.
Variant type: single nucleotide variant.
Coding change: c.26G>A on transcript NM_000530.8 (MANE Select); coding-DNA position 26, G replaced by A.
Protein change: p.Ser9Asn; replaces serine 9 with asparagine.
Molecular consequence: missense variant.
Genome position (GRCh38, 1-based): chr1:161,309,880, C>T on the plus strand (G>A on the coding strand, the complement: MPZ is on the minus strand). VCF-style: chr1-161309880-C-T. GRCh37 (hg19) VCF-style: chr1-161279670-C-T.
Other names: c.26G>A, p.Ser9Asn (NM_001315491.2); short protein forms S9N.
Identifiers: ClinVar variation 2782539 (VCV002782539.3), dbSNP rs776394079, ClinGen allele CA1210255.

ClinVar aggregate classification (germline): Uncertain significance (1 of 4 stars; one submission).

Conditions:
Charcot-Marie-Tooth disease, type I (CMT1). Also called: Charcot-Marie-Tooth disease type 1; Charcot-Marie-Tooth, Type 1. Identifiers: Orphanet 65753, MedGen C0751036, MONDO:0019011.

Allele frequency attached by ClinVar (database versions not stated): gnomAD exomes below 0.00001; ExAC 0.00003.

Submission:

Labcorp Genetics (formerly Invitae), Labcorp
Classification: Uncertain significance for Charcot-Marie-Tooth disease, type I. Last evaluated: 2023-02-17. Review status: criteria provided, single submitter. Criteria: Invitae Variant Classification Sherloc (09022015). Collection method: clinical testing. Allele origin: germline.
Comment: This sequence change replaces serine, which is neutral and polar, with asparagine, which is neutral and polar, at codon 9 of the MPZ protein (p.Ser9Asn). This variant is present in population databases (rs776394079, gnomAD 0.02%). This variant has not been reported in the literature in individuals affected with MPZ-related conditions. Algorithms developed to predict the effect of missense changes on protein structure and function output the following: SIFT: "Not Available"; PolyPhen-2: "Not Available"; Align-GVGD: "Not Available". The asparagine amino acid residue is found in multiple mammalian species, which suggests that this missense change does not adversely affect protein function. In summary, the available evidence is currently insufficient to determine the role of this variant in disease. Therefore, it has been classified as a Variant of Uncertain Significance.